The following is an entry in ClinVar:

NM_033380.3(COL4A5):c.2717del (p.Pro906fs)

Gene: COL4A5 (collagen type IV alpha 5 chain; plus strand). Cytogenetic location: Xq22.3.
Variant type: Deletion.
Coding change: c.2717del on transcript NM_033380.3 (MANE Select); coding-DNA position 2717, one base deleted (C; older notation c.2717delC).
Protein change: p.Pro906fs; shifts the reading frame from proline 906.
Molecular consequence: frameshift variant.
Genome position (GRCh38, 1-based): chrX:108,621,842, C deleted; the last of 3 consecutive C bases (chrX:108,621,840-108,621,842); deleting any one gives the same sequence. VCF-style (leftmost placement, unchanged base first): chrX-108621839-GC-G. GRCh37 (hg19) VCF-style: chrX-107865069-GC-G.
Other names: c.2717del, p.Pro906fs (NM_000495.5); short protein forms P906fs.
Identifiers: ClinVar variation 4795932 (VCV004795932.1).

ClinVar aggregate classification (germline): Likely pathogenic (1 of 4 stars; one submission).

Conditions:
X-linked Alport syndrome (ATS1). Also called: COL4A5-Related Nephropathy; NEPHROPATHY AND DEAFNESS, X-LINKED. Identifiers: Orphanet 63, Orphanet 88917, MedGen C4746986, MONDO:0010520, OMIM 301050.

Submission:

Variantyx, Inc.
Classification: Likely pathogenic for X-linked Alport syndrome. Last evaluated: 2025-06-17. Review status: criteria provided, single submitter. Criteria: Variantyx Assertion Criteria 2022. Collection method: clinical testing. Allele origin: maternal. Inheritance: X-linked dominant inheritance. Affected: yes.
Comment: This is a frameshift variant in the COL4A5 gene (OMIM: 303630). Pathogenic variants in this gene have been associated with X-linked Alport syndrome 1. This variant introduces a premature termination codon in exon 32 out of 53 and is expected to result in loss of function, which is a known disease mechanism for COL4A5 in this disorder (PMID: 9195222, 10752524, 14514738, 24854265, 26809805) (PVS1). This variant is absent from control populations (PM2) and has not been reported in individuals with COL4A5-related disorders in the databases available for review. Based on the current evidence, this variant is classified as likely pathogenic for X-linked Alport syndrome 1.

Literature cited by the submitters: PubMed 9195222; PubMed 10752524; PubMed 14514738; PubMed 24854265; PubMed 26809805.